The following is an entry in ClinVar:

NM_001330.5(CTF1):c.319C>A (p.Arg107Ser)

Genes: CTF1 (cardiotrophin 1; plus strand), LOC130058878 (ATAC-STARR-seq lymphoblastoid silent region 7400; plus strand). Cytogenetic location: 16p11.2.
Variant type: single nucleotide variant.
Coding change: c.319C>A on transcript NM_001330.5 (MANE Select); coding-DNA position 319, C replaced by A.
Protein change: p.Arg107Ser; replaces arginine 107 with serine.
Molecular consequence: missense variant. On other transcripts: non-coding transcript variant (1).
Genome position (GRCh38, 1-based): chr16:30,902,252, C>A. VCF-style: chr16-30902252-C-A. GRCh37 (hg19) VCF-style: chr16-30913573-C-A.
Other names: c.316C>A, p.Arg106Ser (NM_001142544.3); short protein forms R106S, R107S.
Identifiers: ClinVar variation 654944 (VCV000654944.8), dbSNP rs727502950, ClinGen allele CA395618819.

ClinVar aggregate classification (germline): Uncertain significance. Review status: criteria provided, multiple submitters, no conflicts (2 of 4 stars). 2 submissions from 2 submitters: Uncertain significance (2). Last evaluated 2025-05-25.

Allele frequency attached by ClinVar (database versions not stated): gnomAD 0.00001; TOPMed below 0.00001; gnomAD exomes 0.00001.
gnomAD v4.1: 6 of 1,106,898 alleles (0.00054%); highest among the groups gnomAD compares: Non-Finnish European, 0.00066%; no homozygotes.

Submissions (2):

Ambry Genetics
Classification: Uncertain significance. Last evaluated: 2025-05-25. Review status: criteria provided, single submitter. Criteria: Ambry Variant Classification Scheme 2023. Collection method: clinical testing. Allele origin: germline.

Labcorp Genetics (formerly Invitae), Labcorp
Classification: Uncertain significance. Last evaluated: 2024-08-20. Review status: criteria provided, single submitter. Criteria: Invitae Variant Classification Sherloc (09022015). Collection method: clinical testing. Allele origin: germline.
Comment: This sequence change replaces arginine, which is basic and polar, with serine, which is neutral and polar, at codon 107 of the CTF1 protein (p.Arg107Ser). The frequency data for this variant in the population databases is considered unreliable, as metrics indicate insufficient coverage at this position in the gnomAD database. This variant has not been reported in the literature in individuals affected with CTF1-related conditions. ClinVar contains an entry for this variant (Variation ID: 654944). An algorithm developed to predict the effect of missense changes on protein structure and function (PolyPhen-2) suggests that this variant is likely to be tolerated. In summary, the available evidence is currently insufficient to determine the role of this variant in disease. Therefore, it has been classified as a Variant of Uncertain Significance.